The following is an entry in ClinVar:

NM_000404.4(GLB1):c.1038G>T (p.Lys346Asn)

Gene: GLB1 (galactosidase beta 1; minus strand). Cytogenetic location: 3p22.3.
Variant type: single nucleotide variant.
Coding change: c.1038G>T on transcript NM_000404.4 (MANE Select); coding-DNA position 1038, G replaced by T.
Protein change: p.Lys346Asn; replaces lysine 346 with asparagine.
Molecular consequence: missense variant.
Genome position (GRCh38, 1-based): chr3:33,046,150, C>A on the plus strand (G>T on the coding strand, the complement: GLB1 is on the minus strand). VCF-style: chr3-33046150-C-A. GRCh37 (hg19) VCF-style: chr3-33087642-C-A.
Other names: c.948G>T, p.Lys316Asn (NM_001079811.3); c.645G>T, p.Lys215Asn (NM_001135602.3); c.1182G>T, p.Lys394Asn (NM_001317040.2); c.1038G>T, p.Lys346Asn (NM_001393580.1); short protein forms K346N, K394N, K215N, K316N.
Identifiers: ClinVar variation 558213 (VCV000558213.10), dbSNP rs749980306, ClinGen allele CA2299520.

ClinVar aggregate classification (germline): Pathogenic/Likely pathogenic. Review status: criteria provided, multiple submitters, no conflicts (2 of 4 stars). 3 submissions from 3 submitters: Pathogenic (1); Likely pathogenic (1). 1 of the submissions does not count toward it. Last evaluated 2023-10-09.

Conditions:
GM1 gangliosidosis type 3. Also called: GANGLIOSIDOSIS, GENERALIZED GM1, ADULT TYPE; GANGLIOSIDOSIS, GENERALIZED GM1, CHRONIC TYPE; GANGLIOSIDOSIS, GENERALIZED GM1, TYPE III; GM1-GANGLIOSIDOSIS, TYPE III; Beta-galactosidase deficiency; Adult GM1 gangliosidosis. Identifiers: Orphanet 79257, MedGen C0268273, MONDO:0009262, OMIM 230650.
GM1 gangliosidosis type 2. Also called: GANGLIOSIDOSIS, GENERALIZED GM1, JUVENILE TYPE; GANGLIOSIDOSIS, GENERALIZED GM1, TYPE II; GM1-GANGLIOSIDOSIS, TYPE II; Juvenile GM>1< gangliosidosis; Gangliosidosis, Generalized GM1, Type 2. Identifiers: Orphanet 354, Orphanet 79256, MedGen C0268272, MONDO:0009261, OMIM 230600.
Infantile GM1 gangliosidosis. Also called: GM1 gangliosidosis type 1; GM1-gangliosidosis, type I; Gangliosidosis, generalized GM1, infantile form; GLB1 deficiency; Gangliosidosis, Generalized GM1, Type 1. Identifiers: Orphanet 354, Orphanet 79255, MedGen C0268271, MONDO:0009260, OMIM 230500.
Mucopolysaccharidosis, MPS-IV-B (MPS4B). Also called: Mucopolysaccharidosis type 4B; Mucopolysaccharidosis Type IVB (Morquio B Disease); MORQUIO SYNDROME B; Mucopolysaccharidosis type IVB (Morquio); MPS IVB; Mucopolysaccharidosis type IV B. Identifiers: Orphanet 309310, Orphanet 582, MedGen C0086652, MONDO:0009660, OMIM 253010.
GM1 gangliosidosis. Identifiers: Orphanet 354, MedGen C0085131, MONDO:0018149.

Allele frequency attached by ClinVar (database versions not stated): gnomAD exomes below 0.00001; ExAC 0.00001; gnomAD 0.00001; TOPMed 0.00001.
gnomAD v4.1: 5 of 1,613,590 alleles (0.00031%); highest among the groups gnomAD compares: Non-Finnish European, 0.00042%; no homozygotes.

Submissions (3):

Labcorp Genetics (formerly Invitae), Labcorp
Classification: Pathogenic for Mucopolysaccharidosis, MPS-IV-B; GM1 gangliosidosis. Last evaluated: 2023-10-09. Review status: criteria provided, single submitter. Criteria: Invitae Variant Classification Sherloc (09022015). Collection method: clinical testing. Allele origin: germline.
Comment: This sequence change replaces lysine, which is basic and polar, with asparagine, which is neutral and polar, at codon 346 of the GLB1 protein (p.Lys346Asn). This variant is present in population databases (rs749980306, gnomAD 0.0009%). A different variant (c.1038G>C) giving rise to the same protein effect has been determined to be pathogenic (PMID: 16941474, 23337983, 24777551). This suggests that this variant is also likely to be causative of disease. ClinVar contains an entry for this variant (Variation ID: 558213). Advanced modeling of protein sequence and biophysical properties (such as structural, functional, and spatial information, amino acid conservation, physicochemical variation, residue mobility, and thermodynamic stability) performed at Invitae indicates that this missense variant is expected to disrupt GLB1 protein function. For these reasons, this variant has been classified as Pathogenic.

Women's Health and Genetics/Laboratory Corporation of America, LabCorp
Classification: Likely pathogenic for GM1 gangliosidosis. Last evaluated: 2022-06-07. Review status: criteria provided, single submitter. Criteria: LabCorp Variant Classification Summary - May 2015. Collection method: clinical testing. Allele origin: germline.
Comment: Variant summary: GLB1 c.1038G>T (p.Lys346Asn) results in a non-conservative amino acid change located in the Glycoside hydrolase 35, catalytic domain of the encoded protein sequence. Five of five in-silico tools predict a damaging effect of the variant on protein function. The variant allele was found at a frequency of 4e-06 in 249536 control chromosomes. c.1038G>T has been reported in the literature in one individual affected with GM1 Gangliosidosis (Hofer_2009). At least one publication reports experimental evidence evaluating an impact on protein function. The most pronounced variant effect results in 30%-50% of normal activity (Takai_2013). Two clinical diagnostic laboratories have submitted clinical-significance assessments for this variant to ClinVar after 2014 without evidence for independent evaluation. Both laboratories classified the variant as pathogenic/likely pathogenic. Based on the evidence outlined above, the variant was classified as likely pathogenic.

Counsyl
Classification: Likely pathogenic for Infantile GM1 gangliosidosis; GM1 gangliosidosis type 2; GM1 gangliosidosis type 3; Mucopolysaccharidosis, MPS-IV-B. Last evaluated: 2018-05-11. Review status: no assertion criteria provided. Collection method: clinical testing. Allele origin: unknown. Not counted in ClinVar's aggregate classification.

Literature cited by the submitters: PubMed 16941474 (cited by Labcorp Genetics (formerly Invitae), Labcorp and Counsyl); PubMed 23337983 (cited by 3 submitters); PubMed 24777551 (cited by Labcorp Genetics (formerly Invitae), Labcorp and Counsyl); PubMed 19472408 (cited by Women's Health and Genetics/Laboratory Corporation of America, LabCorp and Counsyl); PubMed 22128166 (cited by Counsyl); PubMed 21520340 (cited by Counsyl).